The following is an entry in ClinVar:

ClinVar aggregate classification (germline): Uncertain significance (1 of 4 stars; one submission).

Conditions:
Febrile seizures, familial, 11 (FEB11). Also called: CONVULSIONS, FAMILIAL FEBRILE, 11. Identifiers: MedGen C3280734, MONDO:0024566, OMIM 614418.

Allele frequency attached by ClinVar (database versions not stated): gnomAD exomes below 0.00001 and 0.00002; ExAC 0.00001; gnomAD 0.00001; TOPMed 0.00001.

Submission:

Labcorp Genetics (formerly Invitae), Labcorp
Classification: Uncertain significance for Febrile seizures, familial, 11. Last evaluated: 2018-07-11. Review status: criteria provided, single submitter. Criteria: Invitae Variant Classification Sherloc (09022015). Collection method: clinical testing. Allele origin: germline.
Comment: In summary, the available evidence is currently insufficient to determine the role of this variant in disease. Therefore, it has been classified as a Variant of Uncertain Significance. The current clinical and genetic evidence is not sufficient to establish whether loss-of-function variants in CPA6 cause disease. This variant has not been reported in the literature in individuals with CPA6-related disease. This variant is present in population databases (rs760392592, ExAC 0.009%). This sequence change creates a premature translational stop signal (p.Ala55Hisfs*2) in the CPA6 gene. It is expected to result in an absent or disrupted protein product.

NM_020361.5(CPA6):c.163del (p.Ala55fs)

Gene: CPA6 (carboxypeptidase A6; minus strand). Cytogenetic location: 8q13.2.
Variant type: Deletion.
Coding change: c.163del on transcript NM_020361.5 (MANE Select); coding-DNA position 163, one base deleted (G; older notation c.163delG).
Protein change: p.Ala55fs; shifts the reading frame from alanine 55.
Molecular consequence: frameshift variant.
Genome position (GRCh38, 1-based): chr8:67,624,205, C deleted on the plus strand (G on the coding strand, the reverse complement: CPA6 is on the minus strand). VCF-style (leftmost placement, unchanged base first): chr8-67624204-GC-G. GRCh37 (hg19) VCF-style: chr8-68536439-GC-G.
Other names: short protein forms A55fs.
Identifiers: ClinVar variation 650554 (VCV000650554.6), dbSNP rs760392592, ClinGen allele CA4773073.